The following is an entry in ClinVar:

ClinVar aggregate classification (germline): Uncertain significance (1 of 4 stars; one submission).

Conditions:
Hypertrophic cardiomyopathy 26. Also called: Cardiomyopathy, familial hypertrophic, 26. Identifiers: Orphanet 75249, MedGen C4310749, MONDO:0014883, OMIM 617047.
Myofibrillar myopathy 5. Also called: Filaminopathy (type); FILAMINOPATHY, AUTOSOMAL DOMINANT. Identifiers: Orphanet 171445, MedGen C1836050, MONDO:0012289, OMIM 609524.
Distal myopathy with posterior leg and anterior hand involvement. Also called: WILLIAMS DISTAL MYOPATHY. Identifiers: Orphanet 63273, MedGen C3279722, MONDO:0013550, OMIM 614065.

Submission:

Labcorp Genetics (formerly Invitae), Labcorp
Classification: Uncertain significance for Distal myopathy with posterior leg and anterior hand involvement; Myofibrillar myopathy 5; Hypertrophic cardiomyopathy 26. Last evaluated: 2023-05-02. Review status: criteria provided, single submitter. Criteria: Invitae Variant Classification Sherloc (09022015). Collection method: clinical testing. Allele origin: germline.
Comment: In summary, the available evidence is currently insufficient to determine the role of this variant in disease. Therefore, it has been classified as a Variant of Uncertain Significance. Advanced modeling of protein sequence and biophysical properties (such as structural, functional, and spatial information, amino acid conservation, physicochemical variation, residue mobility, and thermodynamic stability) has been performed at Invitae for this missense variant, however the output from this modeling did not meet the statistical confidence thresholds required to predict the impact of this variant on FLNC protein function. This variant has not been reported in the literature in individuals affected with FLNC-related conditions. This variant is not present in population databases (gnomAD no frequency). This sequence change replaces phenylalanine, which is neutral and non-polar, with leucine, which is neutral and non-polar, at codon 592 of the FLNC protein (p.Phe592Leu).

NM_001458.5(FLNC):c.1774T>C (p.Phe592Leu)

Gene: FLNC (filamin C; plus strand). Cytogenetic location: 7q32.1.
Variant type: single nucleotide variant.
Coding change: c.1774T>C on transcript NM_001458.5 (MANE Select); coding-DNA position 1774, T replaced by C.
Protein change: p.Phe592Leu; replaces phenylalanine 592 with leucine.
Molecular consequence: missense variant.
Genome position (GRCh38, 1-based): chr7:128,840,931, T>C. VCF-style: chr7-128840931-T-C. GRCh37 (hg19) VCF-style: chr7-128480985-T-C.
Other names: c.1774T>C, p.Phe592Leu (NM_001127487.2); short protein forms F592L.
Identifiers: ClinVar variation 2947425 (VCV002947425.3), dbSNP rs2536627311, ClinGen allele CA369227043.